The following is an entry in ClinVar:

NM_001297.5(CNGB1):c.1322C>T (p.Ala441Val)

Gene: CNGB1 (cyclic nucleotide gated channel subunit beta 1; minus strand). Cytogenetic location: 16q21.
Variant type: single nucleotide variant.
Coding change: c.1322C>T on transcript NM_001297.5 (MANE Select); coding-DNA position 1322, C replaced by T.
Protein change: p.Ala441Val; replaces alanine 441 with valine.
Molecular consequence: missense variant.
Genome position (GRCh38, 1-based): chr16:57,939,480, G>A on the plus strand (C>T on the coding strand, the complement: CNGB1 is on the minus strand). VCF-style: chr16-57939480-G-A. GRCh37 (hg19) VCF-style: chr16-57973384-G-A.
Other names: c.1304C>T, p.Ala435Val (NM_001286130.2); short protein forms A441V, A435V.
Identifiers: ClinVar variation 884277 (VCV000884277.8), dbSNP rs376374823, ClinGen allele CA8083478.

ClinVar aggregate classification (germline): Uncertain significance. Review status: criteria provided, multiple submitters, no conflicts (2 of 4 stars). 2 submissions from 2 submitters: Uncertain significance (2). Last evaluated 2025-01-13.

Conditions:
Retinitis pigmentosa (RP). Identifiers: Orphanet 791, MedGen C0035334, MeSH D012174, MONDO:0019200, OMIM 268000. Inheritance: Autosomal dominant, autosomal recessive and X linked inheritance.

Allele frequency attached by ClinVar (database versions not stated): gnomAD exomes 0.00005 and 0.00007; ESP Exome Variant Server 0.00008; TOPMed 0.00008; ExAC 0.00002.
gnomAD v4.1: 120 of 1,613,928 alleles (0.0074%); highest among the groups gnomAD compares: Admixed American, 0.022%; no homozygotes.

Submissions (2):

Labcorp Genetics (formerly Invitae), Labcorp
Classification: Uncertain significance. Last evaluated: 2025-01-13. Review status: criteria provided, single submitter. Criteria: Invitae Variant Classification Sherloc (09022015). Collection method: clinical testing. Allele origin: germline.
Comment: This sequence change replaces alanine, which is neutral and non-polar, with valine, which is neutral and non-polar, at codon 441 of the CNGB1 protein (p.Ala441Val). This variant is present in population databases (rs376374823, gnomAD 0.02%). This variant has not been reported in the literature in individuals affected with CNGB1-related conditions. ClinVar contains an entry for this variant (Variation ID: 884277). Invitae Evidence Modeling of protein sequence and biophysical properties (such as structural, functional, and spatial information, amino acid conservation, physicochemical variation, residue mobility, and thermodynamic stability) indicates that this missense variant is not expected to disrupt CNGB1 protein function with a negative predictive value of 95%. In summary, the available evidence is currently insufficient to determine the role of this variant in disease. Therefore, it has been classified as a Variant of Uncertain Significance.

Illumina Laboratory Services, Illumina
Classification: Uncertain significance for Retinitis pigmentosa. Last evaluated: 2018-01-13. Review status: criteria provided, single submitter. Criteria: ICSL Variant Classification Criteria 13 December 2019. Collection method: clinical testing. Allele origin: germline.